The following is an entry in ClinVar:

NM_003126.4(SPTA1):c.5311-4T>A

Gene: SPTA1 (spectrin alpha, erythrocytic 1; minus strand). Cytogenetic location: 1q23.1.
Variant type: single nucleotide variant.
Coding change: c.5311-4T>A on transcript NM_003126.4 (MANE Select); 4 bases into the intron before coding-DNA position 5311, T replaced by A.
Molecular consequence: intron variant.
Genome position (GRCh38, 1-based): chr1:158,636,038, A>T on the plus strand (T>A on the coding strand, the complement: SPTA1 is on the minus strand). VCF-style: chr1-158636038-A-T. GRCh37 (hg19) VCF-style: chr1-158605828-A-T.
Identifiers: ClinVar variation 874308 (VCV000874308.39), dbSNP rs544472935, ClinGen allele CA1182334.

ClinVar aggregate classification (germline): Conflicting classifications of pathogenicity. Review status: criteria provided, conflicting classifications (1 of 4 stars). 8 submissions from 6 submitters: Uncertain significance (6); Likely benign (2). Last evaluated 2025-09-16.

Conditions:
Hereditary spherocytosis type 3. Also called: SPTA1-Related Spherocytosis; Spherocytosis type 3. Identifiers: Orphanet 822, MedGen C2678338, MONDO:0010053, OMIM 270970.
Elliptocytosis 2 (EL2). Also called: ELLIPTOCYTOSIS, RHESUS-UNLINKED TYPE. Identifiers: Orphanet 288, MedGen C1851741, MONDO:0007533, OMIM 130600.
Pyropoikilocytosis, hereditary. Also called: Pyropoikilocytosis. Identifiers: MedGen C0520739, MONDO:0009948, OMIM 266140, HP:0004839. Disease mechanism: loss of function.

Allele frequency attached by ClinVar (database versions not stated): gnomAD 0.00006 and 0.00009; TOPMed 0.00009; 1000 Genomes Project 30x 0.00016; gnomAD exomes 0.00019 and 0.00026; 1000 Genomes Project 0.00020; ExAC 0.00031.
gnomAD v4.1: 288 of 1,614,108 alleles (0.018%); highest among the groups gnomAD compares: Middle Eastern, 0.25%; 3 homozygotes.

Submissions (8):

Labcorp Genetics (formerly Invitae), Labcorp
Classification: Likely benign. Last evaluated: 2025-09-16. Review status: criteria provided, single submitter. Criteria: Invitae Variant Classification Sherloc (09022015). Collection method: clinical testing. Allele origin: germline.

Blueprint Genetics
Classification: Likely benign. Last evaluated: 2024-11-26. Review status: criteria provided, single submitter. Criteria: ACMG Guidelines, 2015. Collection method: clinical testing. Allele origin: germline.

ARUP Laboratories, Molecular Genetics and Genomics, ARUP Laboratories
Classification: Uncertain significance. Last evaluated: 2024-08-20. Review status: criteria provided, single submitter. Criteria: ARUP Molecular Germline Variant Investigation Process 2024. Collection method: clinical testing. Allele origin: germline.
Comment: The SPTA1 c.5311-4T>A variant (rs544472935), to our knowledge, is not reported in the medical literature but is reported in ClinVar (Variation ID: 674308). This variant is found in the general population with an overall allele frequency of 0.03% (66/249402 alleles) in the Genome Aggregation Database (v2.1.1). This is an intronic variant and computational analyses (Alamut Visual Plus v.1.5.1) predict that this variant does not alter splicing. However, since this variant is located within the minimal splice region, the clinical significance of this variant is uncertain at this time.

CeGaT Center for Human Genetics Tuebingen
Classification: Uncertain significance. Last evaluated: 2022-10-01. Review status: criteria provided, single submitter. Criteria: CeGaT Center For Human Genetics Tuebingen Variant Classification Criteria Version 2. Collection method: clinical testing. Allele origin: germline. Affected: yes. Observed: 1 variant allele.
Comment: SPTA1: PM2, PM3:Supporting, PP4, BP4

Illumina Laboratory Services, Illumina
Classification: Uncertain significance for Hereditary spherocytosis type 3. Last evaluated: 2018-01-13. Review status: criteria provided, single submitter. Criteria: ICSL Variant Classification Criteria 13 December 2019. Collection method: clinical testing. Allele origin: germline.

Illumina Laboratory Services, Illumina
Classification: Uncertain significance for Elliptocytosis 2. Last evaluated: 2018-01-13. Review status: criteria provided, single submitter. Criteria: ICSL Variant Classification Criteria 13 December 2019. Collection method: clinical testing. Allele origin: germline.

Illumina Laboratory Services, Illumina
Classification: Uncertain significance for Pyropoikilocytosis, hereditary. Last evaluated: 2018-01-13. Review status: criteria provided, single submitter. Criteria: ICSL Variant Classification Criteria 13 December 2019. Collection method: clinical testing. Allele origin: germline.

Breakthrough Genomics
Classification: Uncertain significance. Review status: criteria provided, single submitter. Criteria: ACMG Guidelines, 2015. Collection method: not provided. Allele origin: germline. Inheritance: Autosomal recessive inheritance. Affected: yes.